The following is an entry in ClinVar:

Conditions:
Breast-ovarian cancer, familial, susceptibility to, 1 (BROVCA1). Also called: BRCA1 Hereditary Breast and Ovarian Cancer; OVARIAN CANCER, SUSCEPTIBILITY TO. Identifiers: Orphanet 145, MedGen C2676676, MONDO:0011450, OMIM 604370. Disease mechanism: loss of function.

Submission:

Brotman Baty Institute, University of Washington
No classification provided (evidence only). Condition: Breast-ovarian cancer, familial 1. Review status: no classification provided. Collection method: in vitro. Allele origin: not applicable. Functional consequence: functionally_normal.
ClinVar note: "not provided" was previously submitted as the classification for the variant. However, the classification appeared to be based only on an observation of functional data so it was converted to no classification on 2025-07-30.

NM_007294.4(BRCA1):c.85G>C (p.Glu29Gln)

Gene: BRCA1 (BRCA1 DNA repair associated; minus strand). Cytogenetic location: 17q21.31.
Variant type: single nucleotide variant.
Coding change: c.85G>C on transcript NM_007294.4 (MANE Select); coding-DNA position 85, G replaced by C.
Protein change: p.Glu29Gln; replaces glutamic acid 29 with glutamine.
Molecular consequence: missense variant. On other transcripts: non-coding transcript variant (1), intron variant (1).
Genome position (GRCh38, 1-based): chr17:43,115,775, C>G on the plus strand (G>C on the coding strand, the complement: BRCA1 is on the minus strand). VCF-style: chr17-43115775-C-G. GRCh37 (hg19) VCF-style: chr17-41267792-C-G.
Other names: c.-57G>C (NM_001408500.1, NM_001408503.1, NM_001408504.1 and 47 more transcripts); c.-173G>C (NM_001408501.1, NM_001407694.1, NM_001407696.1 and 13 more transcripts); c.-104G>C (NM_001408502.1, NM_001408506.1, NM_001408507.1 and 52 more transcripts); c.-219G>C (NM_001408510.1, NM_001408512.1, NM_001407960.1 and 1 more transcripts); c.85G>C, p.Glu29Gln (NM_007298.4, NM_007299.4, NM_007300.4 and 192 more transcripts); c.-8+8242G>C (NM_007297.4); c.-177G>C (NM_001407695.1, NM_001408465.1); c.-53G>C (NM_001407841.1); and 2 more; short protein forms E29Q.
Identifiers: ClinVar variation 868123 (VCV000868123.3), dbSNP rs80357443, ClinGen allele CA10601984.